The following is an entry in ClinVar:

NM_001198800.3(ASCC1):c.7G>C (p.Val3Leu)

Gene: ASCC1 (activating signal cointegrator 1 complex subunit 1; minus strand). Cytogenetic location: 10q22.1.
Variant type: single nucleotide variant.
Coding change: c.7G>C on transcript NM_001198800.3 (MANE Select); coding-DNA position 7, G replaced by C.
Protein change: p.Val3Leu; replaces valine 3 with leucine.
Molecular consequence: missense variant. On other transcripts: 5 prime UTR variant (5), non-coding transcript variant (1).
Genome position (GRCh38, 1-based): chr10:72,213,292, C>G on the plus strand (G>C on the coding strand, the complement: ASCC1 is on the minus strand). VCF-style: chr10-72213292-C-G. GRCh37 (hg19) VCF-style: chr10-73973050-C-G.
Other names: c.7G>C, p.Val3Leu (NM_001198798.2, NM_001198799.3, NM_001369087.1 and 19 more transcripts); c.73G>C, p.Val25Leu (NM_001369085.1, NM_001369086.1, NM_001369099.1); c.-209G>C (NM_001369101.1, NM_001369102.1, NM_001369105.1 and 2 more transcripts); short protein forms V25L, V3L.
Identifiers: ClinVar variation 4717549 (VCV004717549.1).

ClinVar aggregate classification (germline): Uncertain significance (1 of 4 stars; one submission).

Submission:

Labcorp Genetics (formerly Invitae), Labcorp
Classification: Uncertain significance. Last evaluated: 2025-04-22. Review status: criteria provided, single submitter. Criteria: Invitae Variant Classification Sherloc (09022015). Collection method: clinical testing. Allele origin: germline.
Comment: This sequence change replaces valine, which is neutral and non-polar, with leucine, which is neutral and non-polar, at codon 3 of the ASCC1 protein (p.Val3Leu). This variant is not present in population databases (gnomAD no frequency). This variant has not been reported in the literature in individuals affected with ASCC1-related conditions. An algorithm developed to predict the effect of missense changes on protein structure and function (PolyPhen-2) suggests that this variant is likely to be disruptive. In summary, the available evidence is currently insufficient to determine the role of this variant in disease. Therefore, it has been classified as a Variant of Uncertain Significance.